The following is an entry in ClinVar:

ClinVar aggregate classification (germline): Uncertain significance (1 of 4 stars; one submission).

Allele frequency attached by ClinVar (database versions not stated): gnomAD exomes below 0.00001.
gnomAD v4.1: 1 of 1,613,544 alleles (0.000062%); highest among the groups gnomAD compares: Non-Finnish European, 0.000085%; no homozygotes.

Submission:

Labcorp Genetics (formerly Invitae), Labcorp
Classification: Uncertain significance. Last evaluated: 2022-08-22. Review status: criteria provided, single submitter. Criteria: Invitae Variant Classification Sherloc (09022015). Collection method: clinical testing. Allele origin: germline.
Comment: In summary, the available evidence is currently insufficient to determine the role of this variant in disease. Therefore, it has been classified as a Variant of Uncertain Significance. Algorithms developed to predict the effect of missense changes on protein structure and function (SIFT, PolyPhen-2, Align-GVGD) all suggest that this variant is likely to be tolerated. This variant has not been reported in the literature in individuals affected with TRRAP-related conditions. This variant is not present in population databases (gnomAD no frequency). This sequence change replaces phenylalanine, which is neutral and non-polar, with valine, which is neutral and non-polar, at codon 3735 of the TRRAP protein (p.Phe3735Val).

NM_001375524.1(TRRAP):c.11332T>G (p.Phe3778Val)

Gene: TRRAP (transformation/transcription domain associated protein; plus strand). Cytogenetic location: 7q22.1.
Variant type: single nucleotide variant.
Coding change: c.11332T>G on transcript NM_001375524.1 (MANE Select); coding-DNA position 11332, T replaced by G.
Protein change: p.Phe3778Val; replaces phenylalanine 3778 with valine.
Molecular consequence: missense variant.
Genome position (GRCh38, 1-based): chr7:99,011,530, T>G. VCF-style: chr7-99011530-T-G. GRCh37 (hg19) VCF-style: chr7-98609153-T-G.
Other names: c.11290T>G, p.Phe3764Val (NM_001244580.2); c.11203T>G, p.Phe3735Val (NM_003496.4); short protein forms F3735V, F3764V, F3778V.
Identifiers: ClinVar variation 2184642 (VCV002184642.4), dbSNP rs2485082381, ClinGen allele CA368343665.